The following is an entry in ClinVar:

ClinVar aggregate classification (germline): Conflicting classifications of pathogenicity. Review status: criteria provided, conflicting classifications (1 of 4 stars). 2 submissions from 2 submitters: Uncertain significance (1); Likely benign (1). Last evaluated 2023-05-22.

Conditions:
Hereditary breast ovarian cancer syndrome. Also called: Breast and ovarian cancer; Hereditary breast and ovarian cancer syndrome; BRCA1- and BRCA2-Associated Hereditary Breast and Ovarian Cancer; Hereditary breast and ovarian cancer syndrome (HBOC); Hereditary breast and/or ovarian cancer syndrome; Hereditary breast and ovarian cancer. Identifiers: Orphanet 145, MedGen C0677776, MeSH D061325, MONDO:0003582. Disease mechanism: loss of function.
Hereditary cancer-predisposing syndrome. Also called: Neoplastic Syndromes, Hereditary; Hereditary neoplastic syndrome; Tumor predisposition; Hereditary Cancer Syndrome. Identifiers: Orphanet 140162, MedGen C0027672, MeSH D009386, MONDO:0015356.

Submissions (2):

Labcorp Genetics (formerly Invitae), Labcorp
Classification: Uncertain significance for Hereditary breast ovarian cancer syndrome. Last evaluated: 2023-05-22. Review status: criteria provided, single submitter. Criteria: Invitae Variant Classification Sherloc (09022015). Collection method: clinical testing. Allele origin: germline.
Comment: In summary, the available evidence is currently insufficient to determine the role of this variant in disease. Therefore, it has been classified as a Variant of Uncertain Significance. Advanced modeling of protein sequence and biophysical properties (such as structural, functional, and spatial information, amino acid conservation, physicochemical variation, residue mobility, and thermodynamic stability) performed at Invitae indicates that this missense variant is not expected to disrupt BRCA2 protein function. ClinVar contains an entry for this variant (Variation ID: 1999126). This variant has not been reported in the literature in individuals affected with BRCA2-related conditions. This variant is not present in population databases (gnomAD no frequency). This sequence change replaces leucine, which is neutral and non-polar, with phenylalanine, which is neutral and non-polar, at codon 414 of the BRCA2 protein (p.Leu414Phe).

University of Washington Department of Laboratory Medicine, University of Washington
Classification: Likely benign for Hereditary cancer-predisposing syndrome. Last evaluated: 2023-03-23. Review status: criteria provided, single submitter. Criteria: Dines et al. (Genet Med. 2020). Collection method: curation. Allele origin: germline.
Comment: Missense variant in a coldspot region where missense variants are very unlikely to be pathogenic (PMID:31911673).

BRCA2 exon 10 coldspot. Reclassification based on statistical prior probability.

NM_000059.4(BRCA2):c.1242G>T (p.Leu414Phe)

Gene: BRCA2 (BRCA2 DNA repair associated; plus strand). Cytogenetic location: 13q13.1.
Variant type: single nucleotide variant.
Coding change: c.1242G>T on transcript NM_000059.4 (MANE Select); coding-DNA position 1242, G replaced by T.
Protein change: p.Leu414Phe; replaces leucine 414 with phenylalanine.
Molecular consequence: missense variant.
Genome position (GRCh38, 1-based): chr13:32,332,720, G>T. VCF-style: chr13-32332720-G-T. GRCh37 (hg19) VCF-style: chr13-32906857-G-T.
Other names: c.1242G>T, p.Leu414Phe (NM_001406719.1, NM_001406720.1, NM_001406721.1); short protein forms L414F.
Identifiers: ClinVar variation 1999126 (VCV001999126.6), dbSNP rs1555281791, ClinGen allele CA387762238.